The following is an entry in ClinVar:

NM_001278116.2(L1CAM):c.2911C>T (p.Arg971Trp)

Gene: L1CAM (L1 cell adhesion molecule; minus strand). Cytogenetic location: Xq28.
Variant type: single nucleotide variant.
Coding change: c.2911C>T on transcript NM_001278116.2 (MANE Select); coding-DNA position 2911, C replaced by T.
Protein change: p.Arg971Trp; replaces arginine 971 with tryptophan.
Molecular consequence: missense variant.
Genome position (GRCh38, 1-based): chrX:153,864,956, G>A on the plus strand (C>T on the coding strand, the complement: L1CAM is on the minus strand). VCF-style: chrX-153864956-G-A. GRCh37 (hg19) VCF-style: chrX-153130411-G-A.
Other names: c.2911C>T, p.Arg971Trp (NM_000425.5, NM_024003.3); c.2896C>T, p.Arg966Trp (NM_001143963.2); short protein forms R971W, R966W.
Identifiers: ClinVar variation 373574 (VCV000373574.1), dbSNP rs1057518490, ClinGen allele CA16043224.

ClinVar aggregate classification (germline): Uncertain significance (1 of 4 stars; one submission).

Allele frequency attached by ClinVar (database versions not stated): gnomAD exomes below 0.00001; TOPMed below 0.00001; gnomAD 0.00001.
gnomAD v4.1: 5 of 1,211,078 alleles (0.00041%); highest among the groups gnomAD compares: Non-Finnish European, 0.00045%; no homozygotes.

Submission:

GeneDx
Classification: Uncertain significance. Last evaluated: 2016-12-05. Review status: criteria provided, single submitter. Criteria: GeneDx Variant Classification (06012015). Collection method: clinical testing. Allele origin: germline. Affected: yes.
Comment: A variant of uncertain significance has been identified in the L1CAM gene. The R971W variant has not been published as a pathogenic variant, nor has it been reported as a benign variant to our knowledge. The R971W variant is not observed in large population cohorts (Lek et al., 2016; 1000 Genomes Consortium et al., 2015; Exome Variant Server). The R971W variant is a non-conservative amino acid substitution, which is likely to impact secondary protein structure as these residues differ in polarity, charge, size and/or other properties. However, this substitution occurs at a position that is not conserved and in silico analysis is inconsistent in its predictions as to whether or not the variant is damaging to the protein structure/function. Therefore, based on the currently available information, it is unclear whether this variant is a pathogenic variant or a rare benign variant.